The following is an entry in ClinVar:

NM_000043.6(FAS):c.494G>A (p.Cys165Tyr)

Gene: FAS (Fas cell surface death receptor; plus strand). Cytogenetic location: 10q23.31.
Variant type: single nucleotide variant.
Coding change: c.494G>A on transcript NM_000043.6 (MANE Select); coding-DNA position 494, G replaced by A.
Protein change: p.Cys165Tyr; replaces cysteine 165 with tyrosine.
Molecular consequence: missense variant. On other transcripts: non-coding transcript variant (7).
Genome position (GRCh38, 1-based): chr10:89,010,589, G>A. VCF-style: chr10-89010589-G-A. GRCh37 (hg19) VCF-style: chr10-90770346-G-A.
Other names: c.494G>A, p.Cys165Tyr (NM_001320619.2, NM_152871.4, NM_152872.4); c.539G>A, p.Cys180Tyr (NM_001410956.1); short protein forms C165Y, C180Y.
Identifiers: ClinVar variation 1997447 (VCV001997447.4), dbSNP rs2495155172, ClinGen allele CA377509017.

ClinVar aggregate classification (germline): Uncertain significance (1 of 4 stars; one submission).

Conditions:
Autoimmune lymphoproliferative syndrome type 1. Also called: AUTOIMMUNE LYMPHOPROLIFERATIVE SYNDROME, TYPE I, AUTOSOMAL DOMINANT. Identifiers: Orphanet 3261, MedGen C2717884, MONDO:0011158, OMIM 601859.

Submission:

Labcorp Genetics (formerly Invitae), Labcorp
Classification: Uncertain significance for Autoimmune lymphoproliferative syndrome. Last evaluated: 2022-05-21. Review status: criteria provided, single submitter. Criteria: Invitae Variant Classification Sherloc (09022015). Collection method: clinical testing. Allele origin: germline.
Comment: In summary, the available evidence is currently insufficient to determine the role of this variant in disease. Therefore, it has been classified as a Variant of Uncertain Significance. Algorithms developed to predict the effect of missense changes on protein structure and function are either unavailable or do not agree on the potential impact of this missense change (SIFT: "Not Available"; PolyPhen-2: "Probably Damaging"; Align-GVGD: "Not Available"). This variant has not been reported in the literature in individuals affected with FAS-related conditions. This variant is not present in population databases (gnomAD no frequency). This sequence change replaces cysteine, which is neutral and slightly polar, with tyrosine, which is neutral and polar, at codon 165 of the FAS protein (p.Cys165Tyr).